The following is an entry in ClinVar:

ClinVar aggregate classification (germline): Conflicting classifications of pathogenicity. Review status: criteria provided, conflicting classifications (1 of 4 stars). 2 submissions from 2 submitters: Uncertain significance (1); Benign (1). Last evaluated 2025-03-06.

Conditions:
Hereditary cancer-predisposing syndrome. Also called: Neoplastic Syndromes, Hereditary; Tumor predisposition; Hereditary Cancer Syndrome; Hereditary neoplastic syndrome. Identifiers: Orphanet 140162, MedGen C0027672, MeSH D009386, MONDO:0015356.
BAP1-related tumor predisposition syndrome (TPDS1). Also called: COMMON Syndrome; TUMOR PREDISPOSITION SYNDROME 1; BAP1 tumor predisposition syndrome; Tumor susceptibility linked to germline BAP1 mutations. Identifiers: Orphanet 289539, MedGen C3280492, MONDO:0013692, OMIM 614327.

Submissions (2):

Ambry Genetics
Classification: Benign for Hereditary cancer-predisposing syndrome. Last evaluated: 2025-03-06. Review status: criteria provided, single submitter. Criteria: Ambry Variant Classification Scheme 2023. Collection method: clinical testing. Allele origin: germline.

Labcorp Genetics (formerly Invitae), Labcorp
Classification: Uncertain significance for BAP1-related tumor predisposition syndrome. Last evaluated: 2021-09-08. Review status: criteria provided, single submitter. Criteria: Invitae Variant Classification Sherloc (09022015). Collection method: clinical testing. Allele origin: germline.
Comment: ClinVar contains an entry for this variant (Variation ID: 1002640). This sequence change replaces glycine with cysteine at codon 431 of the BAP1 protein (p.Gly431Cys). The glycine residue is moderately conserved and there is a large physicochemical difference between glycine and cysteine. This variant is not present in population databases (ExAC no frequency). This variant has not been reported in the literature in individuals affected with BAP1-related conditions. Algorithms developed to predict the effect of missense changes on protein structure and function are either unavailable or do not agree on the potential impact of this missense change (SIFT: "Deleterious"; PolyPhen-2: "Benign"; Align-GVGD: "Class C0"). In summary, the available evidence is currently insufficient to determine the role of this variant in disease. Therefore, it has been classified as a Variant of Uncertain Significance.

Literature cited by the submitters: PubMed 38969833 (cited by Ambry Genetics).

NM_004656.4(BAP1):c.1291G>T (p.Gly431Cys)

Gene: BAP1 (BRCA1 associated deubiquitinase 1; minus strand). Cytogenetic location: 3p21.1.
Variant type: single nucleotide variant.
Coding change: c.1291G>T on transcript NM_004656.4 (MANE Select); coding-DNA position 1291, G replaced by T.
Protein change: p.Gly431Cys; replaces glycine 431 with cysteine.
Molecular consequence: missense variant.
Genome position (GRCh38, 1-based): chr3:52,403,854, C>A on the plus strand (G>T on the coding strand, the complement: BAP1 is on the minus strand). VCF-style: chr3-52403854-C-A. GRCh37 (hg19) VCF-style: chr3-52437870-C-A.
Other names: short protein forms G431C.
Identifiers: ClinVar variation 1002640 (VCV001002640.8), dbSNP rs915913191, ClinGen allele CA353102298.